The following is an entry in ClinVar:

NM_080669.6(SLC46A1):c.23C>T (p.Pro8Leu)

Genes: SLC46A1 (solute carrier family 46 member 1; minus strand), LOC130060550 (ATAC-STARR-seq lymphoblastoid silent region 8340; plus strand). Cytogenetic location: 17q11.2.
Variant type: single nucleotide variant.
Coding change: c.23C>T on transcript NM_080669.6 (MANE Select); coding-DNA position 23, C replaced by T.
Protein change: p.Pro8Leu; replaces proline 8 with leucine.
Molecular consequence: missense variant.
Genome position (GRCh38, 1-based): chr17:28,406,092, G>A on the plus strand (C>T on the coding strand, the complement: SLC46A1 is on the minus strand). VCF-style: chr17-28406092-G-A. GRCh37 (hg19) VCF-style: chr17-26733110-G-A.
Other names: c.23C>T, p.Pro8Leu (NM_001242366.3); short protein forms P8L.
Identifiers: ClinVar variation 1947066 (VCV001947066.5), dbSNP rs1555591371, ClinGen allele CA398355013.

ClinVar aggregate classification (germline): Uncertain significance (1 of 4 stars; one submission).

Allele frequency attached by ClinVar (database versions not stated): gnomAD exomes 0.00001.
gnomAD v4.1: 16 of 1,564,990 alleles (0.001%); highest among the groups gnomAD compares: East Asian, 0.031%; 1 homozygote.

Submission:

Labcorp Genetics (formerly Invitae), Labcorp
Classification: Uncertain significance. Last evaluated: 2022-02-19. Review status: criteria provided, single submitter. Criteria: Invitae Variant Classification Sherloc (09022015). Collection method: clinical testing. Allele origin: germline.
Comment: In summary, the available evidence is currently insufficient to determine the role of this variant in disease. Therefore, it has been classified as a Variant of Uncertain Significance. Experimental studies and prediction algorithms are not available or were not evaluated, and the functional significance of this variant is currently unknown. This variant has not been reported in the literature in individuals affected with SLC46A1-related conditions. This variant is not present in population databases (gnomAD no frequency). This sequence change replaces proline, which is neutral and non-polar, with leucine, which is neutral and non-polar, at codon 8 of the SLC46A1 protein (p.Pro8Leu).